The following is an entry in ClinVar:

ClinVar aggregate classification (germline): Benign. Review status: criteria provided, multiple submitters, no conflicts (2 of 4 stars). 5 submissions from 5 submitters: Benign (4). 1 of the submissions does not count toward it. Last evaluated 2026-02-03.

Conditions:
Mitochondrial complex III deficiency nuclear type 6. Identifiers: MedGen C3809553, MONDO:0014194, OMIM 615453.

Allele frequency attached by ClinVar (database versions not stated): TOPMed 0.86090; gnomAD 0.86270 and 0.86873; ExAC 0.87931; 1000 Genomes Project 30x 0.88523; 1000 Genomes Project 0.88958; gnomAD exomes 0.89973 and 0.91278.
gnomAD v4.1: 1,093,275 of 1,205,102 alleles (91%); highest among the groups gnomAD compares: East Asian, 100%; 497,423 homozygotes.

Submissions (5):

Labcorp Genetics (formerly Invitae), Labcorp
Classification: Benign. Last evaluated: 2026-02-03. Review status: criteria provided, single submitter. Criteria: Invitae Variant Classification Sherloc (09022015). Collection method: clinical testing. Allele origin: germline.

Genome-Nilou Lab
Classification: Benign for Mitochondrial complex III deficiency nuclear type 6. Last evaluated: 2021-07-30. Review status: criteria provided, single submitter. Criteria: ACMG Guidelines, 2015. Collection method: clinical testing. Allele origin: germline. Affected: no.

GeneDx
Classification: Benign. Last evaluated: 2015-12-02. Review status: criteria provided, single submitter. Criteria: GeneDx Variant Classification (06012015). Collection method: clinical testing. Allele origin: germline. Affected: yes.
Comment: This variant is considered likely benign or benign based on one or more of the following criteria: it is a conservative change, it occurs at a poorly conserved position in the protein, it is predicted to be benign by multiple in silico algorithms, and/or has population frequency not consistent with disease.

Breakthrough Genomics
Classification: Benign. Review status: criteria provided, single submitter. Criteria: ACMG Guidelines, 2015. Collection method: not provided. Allele origin: germline. Inheritance: Autosomal recessive inheritance. Affected: yes.

Mayo Clinic Laboratories, Mayo Clinic
Classification: Benign. Last evaluated: 2016-02-15. Review status: no assertion criteria provided. Collection method: clinical testing. Allele origin: unknown. Not counted in ClinVar's aggregate classification.

NM_001916.5(CYC1):c.99T>G (p.Arg33=)

Gene: CYC1 (cytochrome c1; plus strand). Cytogenetic location: 8q24.3.
Variant type: single nucleotide variant.
Coding change: c.99T>G on transcript NM_001916.5 (MANE Select); coding-DNA position 99, T replaced by G.
Protein change: p.Arg33=; no amino-acid change (arginine 33 retained).
Molecular consequence: synonymous variant.
Genome position (GRCh38, 1-based): chr8:144,095,198, T>G. VCF-style: chr8-144095198-T-G. GRCh37 (hg19) VCF-style: chr8-145150101-T-G.
Identifiers: ClinVar variation 379959 (VCV000379959.18), dbSNP rs11541475, ClinGen allele CA4933284.